The following is an entry in ClinVar:

ClinVar aggregate classification (germline): Likely benign. Review status: criteria provided, multiple submitters, no conflicts (2 of 4 stars). 2 submissions from 2 submitters: Likely benign (2). Last evaluated 2025-08-01.

Conditions:
Hereditary cancer-predisposing syndrome. Also called: Neoplastic Syndromes, Hereditary; Tumor predisposition; Hereditary Cancer Syndrome; Hereditary neoplastic syndrome. Identifiers: Orphanet 140162, MedGen C0027672, MeSH D009386, MONDO:0015356.

Submissions (2):

CeGaT Center for Human Genetics Tuebingen
Classification: Likely benign. Last evaluated: 2025-08-01. Review status: criteria provided, single submitter. Criteria: CeGaT Center For Human Genetics Tuebingen Variant Classification Criteria Version 2. Collection method: clinical testing. Allele origin: germline. Affected: yes. Observed: 1 variant allele.
Comment: TSC1: PM2:Supporting, BP4, BP7

Ambry Genetics
Classification: Likely benign for Hereditary cancer-predisposing syndrome. Last evaluated: 2024-05-09. Review status: criteria provided, single submitter. Criteria: Ambry Variant Classification Scheme 2023. Collection method: clinical testing. Allele origin: germline.

NM_000368.5(TSC1):c.2139C>T (p.Ala713=)

Gene: TSC1 (TSC complex subunit 1; minus strand). Cytogenetic location: 9q34.13.
Variant type: single nucleotide variant.
Coding change: c.2139C>T on transcript NM_000368.5 (MANE Select); coding-DNA position 2139, C replaced by T.
Protein change: p.Ala713=; no amino-acid change (alanine 713 retained).
Molecular consequence: synonymous variant. On other transcripts: non-coding transcript variant (4).
Genome position (GRCh38, 1-based): chr9:132,903,720, G>A on the plus strand (C>T on the coding strand, the complement: TSC1 is on the minus strand). VCF-style: chr9-132903720-G-A. GRCh37 (hg19) VCF-style: chr9-135779107-G-A.
Other names: c.1776C>T, p.Ala592= (NM_001406617.1, NM_001406618.1, NM_001406619.1 and 5 more transcripts); c.1773C>T, p.Ala591= (NM_001406620.1, NM_001406621.1, NM_001406622.1 and 2 more transcripts); c.1188C>T, p.Ala396= (NM_001406626.1); c.1185C>T, p.Ala395= (NM_001406627.1, NM_001406628.1); c.1086C>T, p.Ala362= (NM_001406629.1, NM_001406630.1); c.2136C>T, p.Ala712= (NM_001162426.2, NM_001406597.1, NM_001406598.1 and 4 more transcripts); c.1986C>T, p.Ala662= (NM_001162427.2, NM_001406610.1); c.2139C>T, p.Ala713= (NM_001406592.1, NM_001406593.1, NM_001406594.1 and 5 more transcripts); and 3 more.
Identifiers: ClinVar variation 3329430 (VCV003329430.9).